The following is an entry in ClinVar:

NM_031443.4(CCM2):c.1235G>A (p.Arg412Gln)

Gene: CCM2 (CCM2 scaffold protein; plus strand). Cytogenetic location: 7p13.
Variant type: single nucleotide variant.
Coding change: c.1235G>A on transcript NM_031443.4 (MANE Select); coding-DNA position 1235, G replaced by A.
Protein change: p.Arg412Gln; replaces arginine 412 with glutamine.
Molecular consequence: missense variant. On other transcripts: non-coding transcript variant (1).
Genome position (GRCh38, 1-based): chr7:45,075,957, G>A. VCF-style: chr7-45075957-G-A. GRCh37 (hg19) VCF-style: chr7-45115556-G-A.
Other names: c.1298G>A, p.Arg433Gln (NM_001029835.2); c.1061G>A, p.Arg354Gln (NM_001167934.2); c.962G>A, p.Arg321Gln (NM_001167935.2); c.1358G>A, p.Arg453Gln (NM_001363458.2); c.1184G>A, p.Arg395Gln (NM_001363459.2); short protein forms R321Q, R354Q, R395Q, R412Q, R433Q, R453Q.
Identifiers: ClinVar variation 3068778 (VCV003068778.3), dbSNP rs139366651, ClinGen allele CA4247293.
Genomic context (GRCh38, chr7:45,075,957, plus strand): 5'-TGAGCACCACATCCAGTTCCACCACCAATGGGAACAGGGCCACGGGCAGCTCTGATGACC[G>A]GTCGGCACCCTCAGAGGGGGATGAGTGGGACCGCATGATCTCGGACATCAGCAGCGACAT-3'
Protein context (NP_113631.1, residues 402-422): GNRATGSSDD[Arg412Gln]SAPSEGDEWD

ClinVar aggregate classification (germline): Conflicting classifications of pathogenicity. Review status: criteria provided, conflicting classifications (1 of 4 stars). 2 submissions from 2 submitters: Uncertain significance (1); Likely benign (1). Last evaluated 2025-08-13.

Conditions:
Inborn genetic diseases. Identifiers: MedGen C0950123, MeSH D030342.

Allele frequency attached by ClinVar (database versions not stated): ExAC 0.00001; gnomAD 0.00001; TOPMed 0.00004; ESP Exome Variant Server 0.00015.
gnomAD v4.1: 11 of 1,613,036 alleles (0.00068%); highest among the groups gnomAD compares: African/African-American, 0.004%; no homozygotes.

Submissions (2):

Ambry Genetics
Classification: Likely benign for Inborn genetic diseases. Last evaluated: 2025-08-13. Review status: criteria provided, single submitter. Criteria: Ambry Variant Classification Scheme 2023. Collection method: clinical testing. Allele origin: germline.

Women's Health and Genetics/Laboratory Corporation of America, LabCorp
Classification: Uncertain significance. Last evaluated: 2024-02-07. Review status: criteria provided, single submitter. Criteria: LabCorp Variant Classification Summary - May 2015. Collection method: clinical testing. Allele origin: germline.
Comment: Variant summary: CCM2 c.1235G>A (p.Arg412Gln) results in a conservative amino acid change in the encoded protein sequence. Five of five in-silico tools predict a benign effect of the variant on protein function. The variant allele was found at a frequency of 1.6e-05 in 249824 control chromosomes. The available data on variant occurrences in the general population are insufficient to allow any conclusion about variant significance. To our knowledge, no occurrence of c.1235G>A in individuals affected with Cerebral Cavernous Malformation 2 and no experimental evidence demonstrating its impact on protein function have been reported. No submitters have cited clinical-significance assessments for this variant to ClinVar. Based on the evidence outlined above, the variant was classified as uncertain significance.